The following is an entry in ClinVar:

ClinVar aggregate classification (germline): Uncertain significance (1 of 4 stars; one submission).

Conditions:
Familial cancer of breast. Also called: hereditary breast carcinoma; BREAST CANCER, FAMILIAL; Hereditary breast cancer. Identifiers: Orphanet 227535, MedGen C0346153, MONDO:0016419, OMIM 114480. Disease mechanism: loss of function.

Submission:

Labcorp Genetics (formerly Invitae), Labcorp
Classification: Uncertain significance for Familial cancer of breast. Last evaluated: 2023-06-27. Review status: criteria provided, single submitter. Criteria: Invitae Variant Classification Sherloc (09022015). Collection method: clinical testing. Allele origin: germline.
Comment: This sequence change falls in intron 7 of the BARD1 gene. It does not directly change the encoded amino acid sequence of the BARD1 protein. It affects a nucleotide within the consensus splice site. This variant is not present in population databases (gnomAD no frequency). This variant has not been reported in the literature in individuals affected with BARD1-related conditions. ClinVar contains an entry for this variant (Variation ID: 1466714). Variants that disrupt the consensus splice site are a relatively common cause of aberrant splicing (PMID: 17576681, 9536098). Algorithms developed to predict the effect of sequence changes on RNA splicing suggest that this variant may disrupt the consensus splice site. In summary, the available evidence is currently insufficient to determine the role of this variant in disease. Therefore, it has been classified as a Variant of Uncertain Significance.

Literature cited by the submitters: PubMed 17576681; PubMed 9536098.

NM_000465.4(BARD1):c.1677+4A>G

Gene: BARD1 (BRCA1 associated RING domain 1; minus strand). Cytogenetic location: 2q35.
Variant type: single nucleotide variant.
Coding change: c.1677+4A>G on transcript NM_000465.4 (MANE Select); 4 bases into the intron after coding-DNA position 1677, A replaced by G.
Molecular consequence: intron variant.
Genome position (GRCh38, 1-based): chr2:214,752,443, T>C on the plus strand (A>G on the coding strand, the complement: BARD1 is on the minus strand). VCF-style: chr2-214752443-T-C. GRCh37 (hg19) VCF-style: chr2-215617167-T-C.
Other names: c.267+4A>G (NM_001282548.2); c.1620+4A>G (NM_001282543.2); c.324+4A>G (NM_001282545.2); c.365-21935A>G (NM_001282549.2).
Identifiers: ClinVar variation 1466714 (VCV001466714.7), dbSNP rs2106038503, ClinGen allele CA2573135103.